The following is an entry in ClinVar:

ClinVar aggregate classification (germline): Uncertain significance. Review status: criteria provided, multiple submitters, no conflicts (2 of 4 stars). 2 submissions from 2 submitters: Uncertain significance (2). Last evaluated 2025-10-26.

Conditions:
Chuvash polycythemia. Also called: POLYCYTHEMIA, VHL-DEPENDENT. Identifiers: Orphanet 238557, MedGen C1837915, MONDO:0009892, OMIM 263400.
Von Hippel-Lindau syndrome (VHLS). Also called: VHL syndrome; Von Hippel-Lindau; von Hippel–Lindau syndrome. Identifiers: Orphanet 892, MedGen C0019562, MONDO:0008667, OMIM 193300. Disease mechanism: loss of function.
Hereditary cancer-predisposing syndrome. Also called: Tumor predisposition; Neoplastic Syndromes, Hereditary; Hereditary Cancer Syndrome; Hereditary neoplastic syndrome. Identifiers: Orphanet 140162, MedGen C0027672, MeSH D009386, MONDO:0015356.

Allele frequency attached by ClinVar (database versions not stated): gnomAD exomes below 0.00001.
gnomAD v4.1: 4 of 1,593,070 alleles (0.00025%); highest among the groups gnomAD compares: Non-Finnish European, 0.00034%; no homozygotes.

Submissions (2):

Ambry Genetics
Classification: Uncertain significance for Hereditary cancer-predisposing syndrome. Last evaluated: 2025-10-26. Review status: criteria provided, single submitter. Criteria: Ambry Variant Classification Scheme 2023. Collection method: clinical testing. Allele origin: germline.
Comment: The p.R58Q variant (also known as c.173G>A), located in coding exon 1 of the VHL gene, results from a G to A substitution at nucleotide position 173. The arginine at codon 58 is replaced by glutamine, an amino acid with highly similar properties. This amino acid position is not well conserved in available vertebrate species. In addition, the in silico prediction for this alteration is inconclusive. Since supporting evidence is limited at this time, the clinical significance of this alteration remains unclear.

Labcorp Genetics (formerly Invitae), Labcorp
Classification: Uncertain significance for Von Hippel-Lindau syndrome; Chuvash polycythemia. Last evaluated: 2025-09-03. Review status: criteria provided, single submitter. Criteria: Invitae Variant Classification Sherloc (09022015). Collection method: clinical testing. Allele origin: germline.
Comment: This sequence change replaces arginine, which is basic and polar, with glutamine, which is neutral and polar, at codon 58 of the VHL protein (p.Arg58Gln). This variant is not present in population databases (gnomAD no frequency). This variant has not been reported in the literature in individuals affected with VHL-related conditions. ClinVar contains an entry for this variant (Variation ID: 486719). An algorithm developed to predict the effect of missense changes on protein structure and function outputs the following: PolyPhen-2: "Benign". The glutamine amino acid residue is found in multiple mammalian species, which suggests that this missense change does not adversely affect protein function. In summary, the available evidence is currently insufficient to determine the role of this variant in disease. Therefore, it has been classified as a Variant of Uncertain Significance.

NM_000551.4(VHL):c.173G>A (p.Arg58Gln)

Gene: VHL (von Hippel-Lindau tumor suppressor; plus strand). Cytogenetic location: 3p25.3.
Variant type: single nucleotide variant.
Coding change: c.173G>A on transcript NM_000551.4 (MANE Select); coding-DNA position 173, G replaced by A.
Protein change: p.Arg58Gln; replaces arginine 58 with glutamine.
Molecular consequence: missense variant.
Genome position (GRCh38, 1-based): chr3:10,142,020, G>A. VCF-style: chr3-10142020-G-A. GRCh37 (hg19) VCF-style: chr3-10183704-G-A.
Other names: c.173G>A, p.Arg58Gln (NM_001354723.2, NM_198156.3); short protein forms R58Q.
Identifiers: ClinVar variation 486719 (VCV000486719.16), dbSNP rs1553619400, ClinGen allele CA351748642.